The following is an entry in ClinVar:

NM_000540.3(RYR1):c.11820T>G (p.Asp3940Glu)

Gene: RYR1 (ryanodine receptor 1; plus strand). Cytogenetic location: 19q13.2.
Variant type: single nucleotide variant.
Coding change: c.11820T>G on transcript NM_000540.3 (MANE Select); coding-DNA position 11820, T replaced by G.
Protein change: p.Asp3940Glu; replaces aspartic acid 3940 with glutamic acid.
Molecular consequence: missense variant.
Genome position (GRCh38, 1-based): chr19:38,543,573, T>G. VCF-style: chr19-38543573-T-G. GRCh37 (hg19) VCF-style: chr19-39034213-T-G.
Other names: c.11805T>G, p.Asp3935Glu (NM_001042723.2); short protein forms D3935E, D3940E.
Identifiers: ClinVar variation 1009788 (VCV001009788.8), dbSNP rs1972296252, ClinGen allele CA405661859.

ClinVar aggregate classification (germline): Uncertain significance (1 of 4 stars; one submission).

Conditions:
RYR1-related disorder. Also called: RYR1-related condition; RYR1-related disorders. Identifiers: MedGen CN239331.

Submission:

Labcorp Genetics (formerly Invitae), Labcorp
Classification: Uncertain significance for RYR1-related disorder. Last evaluated: 2025-05-19. Review status: criteria provided, single submitter. Criteria: Invitae Variant Classification Sherloc (09022015). Collection method: clinical testing. Allele origin: germline.
Comment: This sequence change replaces aspartic acid, which is acidic and polar, with glutamic acid, which is acidic and polar, at codon 3940 of the RYR1 protein (p.Asp3940Glu). This variant is not present in population databases (gnomAD no frequency). This variant has not been reported in the literature in individuals affected with RYR1-related conditions. ClinVar contains an entry for this variant (Variation ID: 1009788). Invitae Evidence Modeling of protein sequence and biophysical properties (such as structural, functional, and spatial information, amino acid conservation, physicochemical variation, residue mobility, and thermodynamic stability) indicates that this missense variant is not expected to disrupt RYR1 protein function with a negative predictive value of 80%. In summary, the available evidence is currently insufficient to determine the role of this variant in disease. Therefore, it has been classified as a Variant of Uncertain Significance.